The following is an entry in ClinVar:

NM_000301.5(PLG):c.1071A>G (p.Val357=)

Gene: PLG (plasminogen; plus strand). Cytogenetic location: 6q26.
Variant type: single nucleotide variant.
Coding change: c.1071A>G on transcript NM_000301.5 (MANE Select); coding-DNA position 1071, A replaced by G.
Protein change: p.Val357=; no amino-acid change (valine 357 retained).
Molecular consequence: synonymous variant.
Genome position (GRCh38, 1-based): chr6:160,718,813, A>G. VCF-style: chr6-160718813-A-G. GRCh37 (hg19) VCF-style: chr6-161139845-A-G.
Identifiers: ClinVar variation 2888591 (VCV002888591.5), dbSNP rs146041064, ClinGen allele CA4087659.

ClinVar aggregate classification (germline): Likely benign. Review status: criteria provided, multiple submitters, no conflicts (2 of 4 stars). 3 submissions from 3 submitters: Likely benign (3). Last evaluated 2024-09-16.

Allele frequency attached by ClinVar (database versions not stated): ExAC 0.00003; ESP Exome Variant Server 0.00008; gnomAD 0.00013; TOPMed 0.00020.
gnomAD v4.1: 34 of 1,613,894 alleles (0.0021%); highest among the groups gnomAD compares: African/African-American, 0.039%; no homozygotes.

Submissions (3):

Women's Health and Genetics/Laboratory Corporation of America, LabCorp
Classification: Likely benign. Last evaluated: 2024-09-16. Review status: criteria provided, single submitter. Criteria: LabCorp Variant Classification Summary - May 2015. Collection method: clinical testing. Allele origin: germline.
Comment: Variant summary: PLG c.1071A>G alters a non-conserved nucleotide resulting in a synonymous change. The variant allele was found at a frequency of 3.2e-05 in 250972 control chromosomes. The available data on variant occurrences in the general population are insufficient to allow any conclusion about variant significance. To our knowledge, no occurrence of c.1071A>G in individuals affected with Plasminogen Deficiency and no experimental evidence demonstrating its impact on protein function have been reported. ClinVar contains an entry for this variant (Variation ID: 2888591). Based on the evidence outlined above, the variant was classified as likely benign.

Labcorp Genetics (formerly Invitae), Labcorp
Classification: Likely benign. Last evaluated: 2024-01-08. Review status: criteria provided, single submitter. Criteria: Invitae Variant Classification Sherloc (09022015). Collection method: clinical testing. Allele origin: germline.

Blueprint Genetics
Classification: Likely benign. Last evaluated: 2022-08-09. Review status: criteria provided, single submitter. Criteria: ACMG Guidelines, 2015. Collection method: clinical testing. Allele origin: germline.